The following is an entry in ClinVar:

ClinVar aggregate classification (germline): Uncertain significance (1 of 4 stars; one submission).

Submission:

Labcorp Genetics (formerly Invitae), Labcorp
Classification: Uncertain significance. Last evaluated: 2023-03-02. Review status: criteria provided, single submitter. Criteria: Invitae Variant Classification Sherloc (09022015). Collection method: clinical testing. Allele origin: germline.
Comment: This sequence change replaces proline, which is neutral and non-polar, with arginine, which is basic and polar, at codon 102 of the TRAPPC9 protein (p.Pro102Arg). This variant is not present in population databases (gnomAD no frequency). This variant has not been reported in the literature in individuals affected with TRAPPC9-related conditions. An algorithm developed to predict the effect of missense changes on protein structure and function (PolyPhen-2) suggests that this variant is likely to be disruptive. In summary, the available evidence is currently insufficient to determine the role of this variant in disease. Therefore, it has been classified as a Variant of Uncertain Significance.

NM_001160372.4(TRAPPC9):c.11C>G (p.Pro4Arg)

Gene: TRAPPC9 (trafficking protein particle complex subunit 9; minus strand). Cytogenetic location: 8q24.3.
Variant type: single nucleotide variant.
Coding change: c.11C>G on transcript NM_001160372.4 (MANE Select); coding-DNA position 11, C replaced by G.
Protein change: p.Pro4Arg; replaces proline 4 with arginine.
Molecular consequence: missense variant. On other transcripts: non-coding transcript variant (1).
Genome position (GRCh38, 1-based): chr8:140,451,363, G>C on the plus strand (C>G on the coding strand, the complement: TRAPPC9 is on the minus strand). VCF-style: chr8-140451363-G-C. GRCh37 (hg19) VCF-style: chr8-141461462-G-C.
Other names: c.11C>G, p.Pro4Arg (NM_001321646.2, NM_001374682.1, NM_001374683.1 and 2 more transcripts); short protein forms P4R.
Identifiers: ClinVar variation 2840054 (VCV002840054.3), dbSNP rs2540547204, ClinGen allele CA372320190.
Genomic context (GRCh38, chr8:140,451,363, plus strand): 5'-CCCACAGGCTGGACCACCACGAGCAGCGTCTGGTGGTCCTCAGCACACTGCATGTAGTCA[G>C]GGACGCTCATTTTGAAGTCCCTGTTCAGAGAGAAGAAATGAGGCTGTGAGACACAGAGTC-3'
Protein context (NP_001153844.1, residues 1-14): MSV[Pro4Arg]DYMQCAEDHQ